The following is an entry in ClinVar:

ClinVar aggregate classification (germline): Uncertain significance (1 of 4 stars; one submission).

gnomAD v4.1: 3 of 1,597,826 alleles (0.00019%); highest among the groups gnomAD compares: Admixed American, 0.005%; no homozygotes.

Submission:

Ambry Genetics
Classification: Uncertain significance. Last evaluated: 2024-12-14. Review status: criteria provided, single submitter. Criteria: Ambry Variant Classification Scheme 2023. Collection method: clinical testing. Allele origin: germline.
Comment: The p.D1034E variant (also known as c.3102C>G), located in coding exon 12 of the WNK2 gene, results from a C to G substitution at nucleotide position 3102. The aspartic acid at codon 1034 is replaced by glutamic acid, an amino acid with highly similar properties. This amino acid position is conserved. In addition, this alteration is predicted to be tolerated by in silico analysis. Based on the available evidence, the clinical significance of this variant remains unclear.

NM_006648.4(WNK2):c.3102C>G (p.Asp1034Glu)

Gene: WNK2 (WNK lysine deficient protein kinase 2; plus strand). Cytogenetic location: 9q22.31.
Variant type: single nucleotide variant.
Coding change: c.3102C>G on transcript NM_006648.4 (MANE Select); coding-DNA position 3102, C replaced by G.
Protein change: p.Asp1034Glu; replaces aspartic acid 1034 with glutamic acid.
Molecular consequence: missense variant.
Genome position (GRCh38, 1-based): chr9:93,261,849, C>G. VCF-style: chr9-93261849-C-G. GRCh37 (hg19) VCF-style: chr9-96024131-C-G.
Other names: c.3102C>G, p.Asp1034Glu (NM_001282394.3); short protein forms D1034E.
Identifiers: ClinVar variation 3816468 (VCV003816468.1).